The following is an entry in ClinVar:

NM_206933.4(USH2A):c.738dup (p.Thr247fs)

Gene: USH2A (usherin; minus strand). Cytogenetic location: 1q41.
Variant type: Duplication.
Coding change: c.738dup on transcript NM_206933.4 (MANE Select); coding-DNA position 738, one base duplicated (T; older notation c.738dupT).
Protein change: p.Thr247fs; shifts the reading frame from threonine 247.
Molecular consequence: frameshift variant.
Genome position (GRCh38, 1-based): chr1:216,364,999, A duplicated on the plus strand (T on the coding strand, the reverse complement: USH2A is on the minus strand); the first of 2 consecutive A bases (chr1:216,364,999-216,365,000); duplicating either gives the same sequence. VCF-style (leftmost placement, unchanged base first): chr1-216364998-T-TA. GRCh37 (hg19) VCF-style: chr1-216538340-T-TA.
Other names: c.738dup, p.Thr247fs (NM_007123.6); short protein forms T247fs.
Identifiers: ClinVar variation 2019119 (VCV002019119.4), dbSNP rs2527531330, ClinGen allele CA2580062136.

ClinVar aggregate classification (germline): Pathogenic (1 of 4 stars; one submission).

Submission:

Labcorp Genetics (formerly Invitae), Labcorp
Classification: Pathogenic. Last evaluated: 2022-07-23. Review status: criteria provided, single submitter. Criteria: Invitae Variant Classification Sherloc (09022015). Collection method: clinical testing. Allele origin: germline.
Comment: This sequence change creates a premature translational stop signal (p.Thr247Tyrfs*76) in the USH2A gene. It is expected to result in an absent or disrupted protein product. Loss-of-function variants in USH2A are known to be pathogenic (PMID: 10729113, 10909849, 20507924, 25649381). For these reasons, this variant has been classified as Pathogenic. This variant has not been reported in the literature in individuals affected with USH2A-related conditions. This variant is not present in population databases (gnomAD no frequency).

Literature cited by the submitters: PubMed 10729113; PubMed 10909849; PubMed 20507924; PubMed 25649381.